The following is an entry in ClinVar:

ClinVar aggregate classification (germline): Likely benign. Review status: criteria provided, multiple submitters, no conflicts (2 of 4 stars). 4 submissions from 4 submitters: Likely benign (3). 1 of the submissions does not count toward it. Last evaluated 2025-12-01.

Conditions:
Inborn genetic diseases. Identifiers: MedGen C0950123, MeSH D030342.
SHANK3-related disorder. Also called: SHANK3-related condition.

Allele frequency attached by ClinVar (database versions not stated): ESP Exome Variant Server 0.00016; ExAC 0.00017; TOPMed 0.00020; gnomAD 0.00021 and 0.00022; 1000 Genomes Project 30x 0.00031.

Submissions (4):

CeGaT Center for Human Genetics Tuebingen
Classification: Likely benign. Last evaluated: 2025-12-01. Review status: criteria provided, single submitter. Criteria: CeGaT Center For Human Genetics Tuebingen Variant Classification Criteria Version 2. Collection method: clinical testing. Allele origin: germline. Affected: yes. Observed: 1 variant allele.
Comment: SHANK3: BP4, BP7

Genetic Services Laboratory, University of Chicago
Classification: Likely benign. Last evaluated: 2019-07-03. Review status: criteria provided, single submitter. Criteria: ACMG Guidelines, 2015. Collection method: clinical testing. Allele origin: germline. Affected: no.

Ambry Genetics
Classification: Likely benign for Inborn genetic diseases. Last evaluated: 2017-05-26. Review status: criteria provided, single submitter. Criteria: Ambry Variant Classification Scheme 2023. Collection method: clinical testing. Allele origin: germline.

PreventionGenetics, part of Exact Sciences
Classification: Likely benign for SHANK3-related condition. Last evaluated: 2022-01-19. Review status: no assertion criteria provided. Collection method: clinical testing. Allele origin: germline. Not counted in ClinVar's aggregate classification.
Comment: This variant is classified as likely benign based on ACMG/AMP sequence variant interpretation guidelines (Richards et al. 2015 PMID: 25741868, with internal and published modifications).

NM_001372044.2(SHANK3):c.1248G>A (p.Ser416=)

Gene: SHANK3 (SH3 and multiple ankyrin repeat domains 3; plus strand). Cytogenetic location: 22q13.33.
Variant type: single nucleotide variant.
Coding change: c.1248G>A on transcript NM_001372044.2 (MANE Select); coding-DNA position 1248, G replaced by A.
Protein change: p.Ser416=; no amino-acid change (serine 416 retained).
Molecular consequence: synonymous variant.
Genome position (GRCh38, 1-based): chr22:50,684,644, G>A. VCF-style: chr22-50684644-G-A. GRCh37 (hg19) VCF-style: chr22-51123072-G-A.
Other names: NM_001080420.1:c.1023G>A; c.1023G>A, p.Ser341= (NM_033517.1).
Identifiers: ClinVar variation 589144 (VCV000589144.16), dbSNP rs372822152, ClinGen allele CA10325451.